The following is an entry in ClinVar:

ClinVar aggregate classification (germline): Uncertain significance. Review status: criteria provided, multiple submitters, no conflicts (2 of 4 stars). 4 submissions from 4 submitters: Uncertain significance (4). Last evaluated 2026-02-16.

Conditions:
Familial cancer of breast. Also called: Hereditary breast cancer; hereditary breast carcinoma; BREAST CANCER, FAMILIAL. Identifiers: Orphanet 227535, MedGen C0346153, MONDO:0016419, OMIM 114480. Disease mechanism: loss of function.
CHEK2-related disorder.

Submissions (4):

Dasa
Classification: Uncertain significance. Last evaluated: 2026-02-16. Review status: criteria provided, single submitter. Criteria: DASA Assertion Criteria. Collection method: clinical testing. Allele origin: germline.
Comment: NM_007194.4(CHEK2):c.1550C>T (p.Thr517Ile) is a missense variant that results in the substitution of threonine with isoleucine. This variant is rare in population databases. Computational prediction algorithms are consistent with a benign effect. The currently available literature and clinical evidence are not sufficient to establish a definitive association between this variant and the reported condition. Therefore, this variant is classified as a variant of uncertain significance.

Baylor Genetics
Classification: Uncertain significance for Familial cancer of breast. Last evaluated: 2024-03-03. Review status: criteria provided, single submitter. Criteria: ACMG Guidelines, 2015. Collection method: clinical testing. Allele origin: unknown.

PreventionGenetics, part of Exact Sciences
Classification: Uncertain significance for CHEK2-related condition. Last evaluated: 2023-05-11. Review status: criteria provided, single submitter. Criteria: ACMG Guidelines, 2015. Collection method: clinical testing. Allele origin: germline.
Comment: The CHEK2 c.1550C>T variant is predicted to result in the amino acid substitution p.Thr517Ile. To our knowledge, this variant has not been reported in the literature or in a large population database, indicating this variant is rare. This variant is interpreted as uncertain significance in ClinVar. At this time, the clinical significance of this variant is uncertain due to the absence of conclusive functional and genetic evidence.

Labcorp Genetics (formerly Invitae), Labcorp
Classification: Uncertain significance for Familial cancer of breast. Last evaluated: 2022-05-24. Review status: criteria provided, single submitter. Criteria: Invitae Variant Classification Sherloc (09022015). Collection method: clinical testing. Allele origin: germline.
Comment: In summary, the available evidence is currently insufficient to determine the role of this variant in disease. Therefore, it has been classified as a Variant of Uncertain Significance. Algorithms developed to predict the effect of missense changes on protein structure and function are either unavailable or do not agree on the potential impact of this missense change (SIFT: "Deleterious"; PolyPhen-2: "Benign"; Align-GVGD: "Class C0"). This variant has not been reported in the literature in individuals affected with CHEK2-related conditions. This variant is not present in population databases (gnomAD no frequency). This sequence change replaces threonine, which is neutral and polar, with isoleucine, which is neutral and non-polar, at codon 517 of the CHEK2 protein (p.Thr517Ile).

NM_007194.4(CHEK2):c.1550C>T (p.Thr517Ile)

Gene: CHEK2 (checkpoint kinase 2; minus strand). Cytogenetic location: 22q12.1.
Variant type: single nucleotide variant.
Coding change: c.1550C>T on transcript NM_007194.4 (MANE Select); coding-DNA position 1550, C replaced by T.
Protein change: p.Thr517Ile; replaces threonine 517 with isoleucine.
Molecular consequence: missense variant.
Genome position (GRCh38, 1-based): chr22:28,687,979, G>A on the plus strand (C>T on the coding strand, the complement: CHEK2 is on the minus strand). VCF-style: chr22-28687979-G-A. GRCh37 (hg19) VCF-style: chr22-29083967-G-A.
Other names: c.1679C>T, p.Thr560Ile (NM_001005735.3); c.887C>T, p.Thr296Ile (NM_001257387.3); c.1349C>T, p.Thr450Ile (NM_001349956.3); c.1463C>T, p.Thr488Ile (NM_145862.3); short protein forms T296I, T450I, T560I, T488I, T517I.
Identifiers: ClinVar variation 1363087 (VCV001363087.12), dbSNP rs1555911629, ClinGen allele CA411091464.